The following is an entry in ClinVar:

ClinVar aggregate classification (germline): Uncertain significance. Review status: criteria provided, multiple submitters, no conflicts (2 of 4 stars). 2 submissions from 2 submitters: Uncertain significance (2). Last evaluated 2024-12-05.

Conditions:
Inborn genetic diseases. Identifiers: MedGen C0950123, MeSH D030342.

Allele frequency attached by ClinVar (database versions not stated): ExAC 0.00001; gnomAD 0.00001; gnomAD exomes 0.00001; TOPMed 0.00002.
gnomAD v4.1: 10 of 1,612,910 alleles (0.00062%); highest among the groups gnomAD compares: Admixed American, 0.015%; no homozygotes.

Submissions (2):

Ambry Genetics
Classification: Uncertain significance for Inborn genetic diseases. Last evaluated: 2024-12-05. Review status: criteria provided, single submitter. Criteria: Ambry Variant Classification Scheme 2023. Collection method: clinical testing. Allele origin: germline.

Labcorp Genetics (formerly Invitae), Labcorp
Classification: Uncertain significance. Last evaluated: 2022-08-03. Review status: criteria provided, single submitter. Criteria: Invitae Variant Classification Sherloc (09022015). Collection method: clinical testing. Allele origin: germline.
Comment: This sequence change replaces tyrosine, which is neutral and polar, with aspartic acid, which is acidic and polar, at codon 680 of the PDE2A protein (p.Tyr680Asp). This variant is present in population databases (rs770031228, gnomAD 0.03%). This variant has not been reported in the literature in individuals affected with PDE2A-related conditions. Algorithms developed to predict the effect of missense changes on protein structure and function are either unavailable or do not agree on the potential impact of this missense change (SIFT: "Tolerated"; PolyPhen-2: "Probably Damaging"; Align-GVGD: "Class C0"). In summary, the available evidence is currently insufficient to determine the role of this variant in disease. Therefore, it has been classified as a Variant of Uncertain Significance.

NM_002599.5(PDE2A):c.2038T>G (p.Tyr680Asp)

Gene: PDE2A (phosphodiesterase 2A; minus strand). Cytogenetic location: 11q13.4.
Variant type: single nucleotide variant.
Coding change: c.2038T>G on transcript NM_002599.5 (MANE Select); coding-DNA position 2038, T replaced by G.
Protein change: p.Tyr680Asp; replaces tyrosine 680 with aspartic acid.
Molecular consequence: missense variant.
Genome position (GRCh38, 1-based): chr11:72,581,364, A>C on the plus strand (T>G on the coding strand, the complement: PDE2A is on the minus strand). VCF-style: chr11-72581364-A-C. GRCh37 (hg19) VCF-style: chr11-72292408-A-C.
Other names: c.1975T>G, p.Tyr659Asp (NM_001243784.2); c.2038T>G (NM_002599.4); c.2017T>G, p.Tyr673Asp (NM_001143839.4); c.2011T>G, p.Tyr671Asp (NM_001146209.3); short protein forms Y659D, Y673D, Y671D, Y680D.
Identifiers: ClinVar variation 1917367 (VCV001917367.6), dbSNP rs770031228, ClinGen allele CA6171980.
Genomic context (GRCh38, chr11:72,581,364, plus strand): 5'-CCAGGGAGGGGACCCCAGTGGCTGCCAGATGTGGGGGAGATGCAGCCACTCACTCGAGGT[A>C]GTTGGTGAGCTCCAGGTTCTTGTAGAGCAGGTAGCAGAAGTGGGAGACAGAAAAGGCGTG-3'
Protein context (NP_002590.1, residues 670-690): LLYKNLELTN[Tyr680Asp]LEDIEIFALF